The following is an entry in ClinVar:

NM_005732.4(RAD50):c.677A>C (p.Gln226Pro)

Gene: RAD50 (RAD50 double strand break repair protein; plus strand). Cytogenetic location: 5q31.1.
Variant type: single nucleotide variant.
Coding change: c.677A>C on transcript NM_005732.4 (MANE Select); coding-DNA position 677, A replaced by C.
Protein change: p.Gln226Pro; replaces glutamine 226 with proline.
Molecular consequence: missense variant.
Genome position (GRCh38, 1-based): chr5:132,579,987, A>C. VCF-style: chr5-132579987-A-C. GRCh37 (hg19) VCF-style: chr5-131915679-A-C.
Other names: short protein forms Q226P.
Identifiers: ClinVar variation 633384 (VCV000633384.1), dbSNP rs1060501953, ClinGen allele CA360936424.

ClinVar aggregate classification (germline): Uncertain significance (1 of 4 stars; one submission).

Submission:

Women's Health and Genetics/Laboratory Corporation of America, LabCorp
Classification: Uncertain significance. Last evaluated: 2018-06-05. Review status: criteria provided, single submitter. Criteria: LabCorp Variant Classification Summary - May 2015. Collection method: clinical testing. Allele origin: germline.
Comment: Variant summary: RAD50 c.677A>C (p.Gln226Pro) results in a non-conservative amino acid change located in the Rad50/SbcC-type AAA domain of the encoded protein sequence. Four of five in-silico tools predict a benign effect of the variant on protein function. The variant was absent in 246014 control chromosomes (gnomAD). The available data on variant occurrences in the general population are insufficient to allow any conclusion about variant significance. To our knowledge, no occurrence of c.677A>C in individuals affected with Hereditary Breast and Ovarian Cancer and no experimental evidence demonstrating its impact on protein function have been reported. No clinical diagnostic laboratories have submitted clinical-significance assessments for this variant to ClinVar after 2014. Based on the evidence outlined above, the variant was classified as uncertain significance.